The following is an entry in ClinVar:

ClinVar aggregate classification (germline): Uncertain significance (1 of 4 stars; one submission).

Conditions:
Nephronophthisis 15 (NPHP15). Identifiers: Orphanet 3156, MedGen C3541853, MONDO:0013917, OMIM 614845.

Submission:

Labcorp Genetics (formerly Invitae), Labcorp
Classification: Uncertain significance for Nephronophthisis 15. Last evaluated: 2021-10-29. Review status: criteria provided, single submitter. Criteria: Invitae Variant Classification Sherloc (09022015). Collection method: clinical testing. Allele origin: germline.
Comment: In summary, the available evidence is currently insufficient to determine the role of this variant in disease. Therefore, it has been classified as a Variant of Uncertain Significance. Algorithms developed to predict the effect of missense changes on protein structure and function (SIFT, PolyPhen-2, Align-GVGD) all suggest that this variant is likely to be tolerated. This variant has not been reported in the literature in individuals affected with CEP164-related conditions. This variant is not present in population databases (gnomAD no frequency). This sequence change replaces valine, which is neutral and non-polar, with leucine, which is neutral and non-polar, at codon 938 of the CEP164 protein (p.Val938Leu).

NM_014956.5(CEP164):c.2812G>C (p.Val938Leu)

Gene: CEP164 (centrosomal protein 164; plus strand). Cytogenetic location: 11q23.3.
Variant type: single nucleotide variant.
Coding change: c.2812G>C on transcript NM_014956.5 (MANE Select); coding-DNA position 2812, G replaced by C.
Protein change: p.Val938Leu; replaces valine 938 with leucine.
Molecular consequence: missense variant.
Genome position (GRCh38, 1-based): chr11:117,394,971, G>C. VCF-style: chr11-117394971-G-C. GRCh37 (hg19) VCF-style: chr11-117265687-G-C.
Other names: c.2821G>C, p.Val941Leu (NM_001271933.2); short protein forms V941L, V938L.
Identifiers: ClinVar variation 1417853 (VCV001417853.6), dbSNP rs958659489, ClinGen allele CA229360325.